The following is an entry in ClinVar:

ClinVar aggregate classification (germline): Uncertain significance (1 of 4 stars; one submission).

Conditions:
INVS-related disorder. Also called: INVS-related condition.

Submission:

PreventionGenetics, part of Exact Sciences
Classification: Uncertain significance for INVS-related condition. Last evaluated: 2025-11-11. Review status: criteria provided, single submitter. Criteria: ACMG Guidelines, 2015. Collection method: clinical testing. Allele origin: germline.
Comment: The INVS c.1186C>G variant is predicted to result in the amino acid substitution p.Arg396Gly. To our knowledge, this variant has not been reported in the literature or in a large population database (gnomAD), indicating this variant is rare. At this time, the clinical significance of this variant is uncertain due to the absence of conclusive functional and genetic evidence.

NM_014425.5(INVS):c.1186C>G (p.Arg396Gly)

Gene: INVS (inversin; plus strand). Cytogenetic location: 9q31.1.
Variant type: single nucleotide variant.
Coding change: c.1186C>G on transcript NM_014425.5 (MANE Select); coding-DNA position 1186, C replaced by G.
Protein change: p.Arg396Gly; replaces arginine 396 with glycine.
Molecular consequence: missense variant. On other transcripts: non-coding transcript variant (1).
Genome position (GRCh38, 1-based): chr9:100,252,390, C>G. VCF-style: chr9-100252390-C-G. GRCh37 (hg19) VCF-style: chr9-103014672-C-G.
Other names: c.898C>G, p.Arg300Gly (NM_001318381.2); c.208C>G, p.Arg70Gly (NM_001318382.2); short protein forms R396G, R300G, R70G.
Identifiers: ClinVar variation 4992078 (VCV004992078.1).